The following is an entry in ClinVar:

NM_001110556.2(FLNA):c.2310C>G (p.Asn770Lys)

Gene: FLNA (filamin A; minus strand). Cytogenetic location: Xq28.
Variant type: single nucleotide variant.
Coding change: c.2310C>G on transcript NM_001110556.2 (MANE Select); coding-DNA position 2310, C replaced by G.
Protein change: p.Asn770Lys; replaces asparagine 770 with lysine.
Molecular consequence: missense variant.
Genome position (GRCh38, 1-based): chrX:154,362,755, G>C on the plus strand (C>G on the coding strand, the complement: FLNA is on the minus strand). VCF-style: chrX-154362755-G-C. GRCh37 (hg19) VCF-style: chrX-153591123-G-C.
Other names: c.2310C>G, p.Asn770Lys (NM_001456.4); short protein forms N770K.
Identifiers: ClinVar variation 4793703 (VCV004793703.1).
Genomic context (GRCh38, chrX:154,362,755, plus strand): 5'-GGTGGGCTCGTGGGCCTTGAGCCCTGTCTTGGCTACTCCGGGGCCGTATACTTTGACCTT[G>C]TTGGGGTGGCTGCCAGCTCCCACATTCACCTGCAGGGCACAGGGGCAAGGGCAAGGGCAT-3'
Protein context (NP_001104026.1, residues 760-780): RVNVGAGSHP[Asn770Lys]KVKVYGPGVA

ClinVar aggregate classification (germline): Uncertain significance (1 of 4 stars; one submission).

Conditions:
Heterotopia, periventricular, X-linked dominant (PVNH1). Also called: PERIVENTRICULAR NODULAR HETEROTOPIA 1; X-linked periventricular heterotopia; PERIVENTRICULAR NODULAR HETEROTOPIA 4; HETEROTOPIA, PERIVENTRICULAR, 1. Identifiers: Orphanet 2149, Orphanet 82004, MedGen C1848213, MONDO:0010233, OMIM 300049.
Melnick-Needles syndrome (MNS). Also called: MELNICK-NEEDLES OSTEODYSPLASTY; OSTEODYSPLASTY OF MELNICK AND NEEDLES; Melnick-Needles Syndrome (FLNA-MNS). Identifiers: Orphanet 2484, MedGen C0025237, MONDO:0010650, OMIM 309350.
Frontometaphyseal dysplasia (FMD1). Identifiers: Orphanet 1826, MedGen C0265293, MONDO:0015942.
Oto-palato-digital syndrome, type II (OPD2). Also called: FACIOPALATOOSSEOUS SYNDROME; OPD II SYNDROME; Otopalatodigital Syndrome Type 2 (FLNA-OPD2); Otopalatodigital Syndrome, Type II. Identifiers: Orphanet 669, Orphanet 90652, MedGen C1844696, MONDO:0010571, OMIM 304120.

Submission:

Labcorp Genetics (formerly Invitae), Labcorp
Classification: Uncertain significance for Oto-palato-digital syndrome, type II; Heterotopia, periventricular, X-linked dominant; Frontometaphyseal dysplasia; Melnick-Needles syndrome. Last evaluated: 2025-11-03. Review status: criteria provided, single submitter. Criteria: Invitae Variant Classification Sherloc (09022015). Collection method: clinical testing. Allele origin: germline.
Comment: This sequence change replaces asparagine, which is neutral and polar, with lysine, which is basic and polar, at codon 770 of the FLNA protein (p.Asn770Lys). This variant is not present in population databases (gnomAD no frequency). This variant has not been reported in the literature in individuals affected with FLNA-related conditions. Invitae Evidence Modeling of protein sequence and biophysical properties (such as structural, functional, and spatial information, amino acid conservation, physicochemical variation, residue mobility, and thermodynamic stability) indicates that this missense variant is not expected to disrupt FLNA protein function with a negative predictive value of 95%. In summary, the available evidence is currently insufficient to determine the role of this variant in disease. Therefore, it has been classified as a Variant of Uncertain Significance.